The following is an entry in ClinVar:

ClinVar aggregate classification (germline): Uncertain significance. Review status: criteria provided, multiple submitters, no conflicts (2 of 4 stars). 5 submissions from 5 submitters: Uncertain significance (5). Last evaluated 2025-12-29.

Conditions:
Familial cancer of breast. Also called: hereditary breast carcinoma; BREAST CANCER, FAMILIAL; Hereditary breast cancer. Identifiers: Orphanet 227535, MedGen C0346153, MONDO:0016419, OMIM 114480. Disease mechanism: loss of function.
Fanconi anemia complementation group J. Also called: BRIP1-Related Fanconi Anemia. Identifiers: Orphanet 84, MedGen C1836860, MONDO:0012187, OMIM 609054.
Hereditary breast ovarian cancer syndrome. Also called: Hereditary breast and ovarian cancer syndrome; Hereditary breast and ovarian cancer; BRCA1- and BRCA2-Associated Hereditary Breast and Ovarian Cancer; Hereditary breast and/or ovarian cancer syndrome; Hereditary breast and ovarian cancer syndrome (HBOC); Breast and ovarian cancer. Identifiers: Orphanet 145, MedGen C0677776, MeSH D061325, MONDO:0003582. Disease mechanism: loss of function.
Hereditary cancer-predisposing syndrome. Also called: Hereditary Cancer Syndrome; Tumor predisposition; Neoplastic Syndromes, Hereditary; Hereditary neoplastic syndrome. Identifiers: Orphanet 140162, MedGen C0027672, MeSH D009386, MONDO:0015356.

Allele frequency attached by ClinVar (database versions not stated): ExAC 0.00001; gnomAD exomes 0.00001.
gnomAD v4.1: 9 of 1,612,652 alleles (0.00056%); highest among the groups gnomAD compares: East Asian, 0.0022%; no homozygotes.

Submissions (5):

Center for Genomic Medicine, Rigshospitalet, Copenhagen University Hospital
Classification: Uncertain significance. Last evaluated: 2025-12-29. Review status: criteria provided, single submitter. Criteria: ACMG Guidelines, 2015. Collection method: clinical testing. Allele origin: germline.

Labcorp Genetics (formerly Invitae), Labcorp
Classification: Uncertain significance for Familial cancer of breast; Fanconi anemia complementation group J. Last evaluated: 2025-08-29. Review status: criteria provided, single submitter. Criteria: Invitae Variant Classification Sherloc (09022015). Collection method: clinical testing. Allele origin: germline.
Comment: This sequence change replaces isoleucine, which is neutral and non-polar, with valine, which is neutral and non-polar, at codon 857 of the BRIP1 protein (p.Ile857Val). This variant is present in population databases (rs28904918, gnomAD 0.003%). This variant has not been reported in the literature in individuals affected with BRIP1-related conditions. ClinVar contains an entry for this variant (Variation ID: 649031). Invitae Evidence Modeling of protein sequence and biophysical properties (such as structural, functional, and spatial information, amino acid conservation, physicochemical variation, residue mobility, and thermodynamic stability) indicates that this missense variant is not expected to disrupt BRIP1 protein function with a negative predictive value of 95%. In summary, the available evidence is currently insufficient to determine the role of this variant in disease. Therefore, it has been classified as a Variant of Uncertain Significance.

Ambry Genetics
Classification: Uncertain significance for Hereditary cancer-predisposing syndrome. Last evaluated: 2024-06-18. Review status: criteria provided, single submitter. Criteria: Ambry Variant Classification Scheme 2023. Collection method: clinical testing. Allele origin: germline.
Comment: The p.I857V variant (also known as c.2569A>G), located in coding exon 17 of the BRIP1 gene, results from an A to G substitution at nucleotide position 2569. The isoleucine at codon 857 is replaced by valine, an amino acid with highly similar properties. In one study, this alteration was identified in 1/1212 breast cancer cases and 0/2081 controls (Seal S et al. Nat. Genet. 2006 Nov;38:1239-41). This amino acid position is highly conserved in available vertebrate species. In addition, the in silico prediction for this alteration is inconclusive. Based on the available evidence, the clinical significance of this variant remains unclear.

Baylor Genetics
Classification: Uncertain significance for Familial cancer of breast. Last evaluated: 2023-07-19. Review status: criteria provided, single submitter. Criteria: ACMG Guidelines, 2015. Collection method: clinical testing. Allele origin: unknown.

Cancer Genomics Group, Japanese Foundation For Cancer Research
Classification: Uncertain significance for Hereditary breast and ovarian cancer syndrome. Last evaluated: 2019-05-01. Review status: criteria provided, single submitter. Criteria: ACMG Guidelines, 2015. Collection method: research. Allele origin: germline. Affected: yes.

Literature cited by the submitters: PubMed 26921362 (cited by Center for Genomic Medicine, Rigshospitalet, Copenhagen University Hospital and Ambry Genetics); PubMed 17033622 (cited by Ambry Genetics).

NM_032043.3(BRIP1):c.2569A>G (p.Ile857Val)

Gene: BRIP1 (BRCA1 interacting DNA helicase 1; minus strand). Cytogenetic location: 17q23.2.
Variant type: single nucleotide variant.
Coding change: c.2569A>G on transcript NM_032043.3 (MANE Select); coding-DNA position 2569, A replaced by G.
Protein change: p.Ile857Val; replaces isoleucine 857 with valine.
Molecular consequence: missense variant.
Genome position (GRCh38, 1-based): chr17:61,693,436, T>C on the plus strand (A>G on the coding strand, the complement: BRIP1 is on the minus strand). VCF-style: chr17-61693436-T-C. GRCh37 (hg19) VCF-style: chr17-59770797-T-C.
Other names: short protein forms I857V.
Identifiers: ClinVar variation 649031 (VCV000649031.26), dbSNP rs28904918, ClinGen allele CA8690486.
Genomic context (GRCh38, chr17:61,693,436, plus strand): 5'-TAAAAATATGAAGATTGTTACTAGTTTTTACTCTAAGCCCAGCTGAGATCTTACCAGATA[T>C]ATAGCGACTTGGGTTATTCCTAAAGCGATCATCCACTAGAATAAGAGCTCCCCAATCATT-3'
Protein context (NP_114432.2, residues 847-867): DRFRNNPSRY[Ile857Val]SGLSKWVRQQ